The following is an entry in ClinVar:

NM_138713.4(NFAT5):c.4364C>T (p.Pro1455Leu)

Gene: NFAT5 (nuclear factor of activated T cells 5; plus strand). Cytogenetic location: 16q22.1.
Variant type: single nucleotide variant.
Coding change: c.4364C>T on transcript NM_138713.4 (MANE Select); coding-DNA position 4364, C replaced by T.
Protein change: p.Pro1455Leu; replaces proline 1455 with leucine.
Molecular consequence: missense variant.
Genome position (GRCh38, 1-based): chr16:69,694,189, C>T. VCF-style: chr16-69694189-C-T. GRCh37 (hg19) VCF-style: chr16-69728092-C-T.
Other names: c.4361C>T, p.Pro1454Leu (NM_001113178.3); c.3689C>T, p.Pro1230Leu (NM_001367709.1); c.4310C>T, p.Pro1437Leu (NM_006599.4); c.4082C>T, p.Pro1361Leu (NM_138714.4, NM_173214.3, NM_173215.3); short protein forms P1230L, P1437L, P1454L, P1361L, P1455L.
Identifiers: ClinVar variation 1517583 (VCV001517583.8), dbSNP rs2151724480, ClinGen allele CA396515637.

ClinVar aggregate classification (germline): Uncertain significance (1 of 4 stars; one submission).

Conditions:
Immunodeficiency. Identifiers: MedGen C0021051, MONDO:0021094, HP:0002721.

Submission:

Labcorp Genetics (formerly Invitae), Labcorp
Classification: Uncertain significance for Immunodeficiency. Last evaluated: 2025-08-15. Review status: criteria provided, single submitter. Criteria: Invitae Variant Classification Sherloc (09022015). Collection method: clinical testing. Allele origin: germline.
Comment: This sequence change replaces proline, which is neutral and non-polar, with leucine, which is neutral and non-polar, at codon 1361 of the NFAT5 protein (p.Pro1361Leu). This variant is not present in population databases (gnomAD no frequency). This variant has not been reported in the literature in individuals affected with NFAT5-related conditions. ClinVar contains an entry for this variant (Variation ID: 1517583). An algorithm developed to predict the effect of missense changes on protein structure and function (PolyPhen-2) suggests that this variant is likely to be disruptive. In summary, the available evidence is currently insufficient to determine the role of this variant in disease. Therefore, it has been classified as a Variant of Uncertain Significance.